The following is an entry in ClinVar:

NM_000535.7(PMS2):c.1678del (p.Cys560fs)

Gene: PMS2 (PMS1 homolog 2, mismatch repair system component; minus strand). Cytogenetic location: 7p22.1.
Variant type: Deletion.
Coding change: c.1678del on transcript NM_000535.7 (MANE Select); coding-DNA position 1678, one base deleted (T; older notation c.1678delT).
Protein change: p.Cys560fs; shifts the reading frame from cysteine 560.
Molecular consequence: frameshift variant. On other transcripts: non-coding transcript variant (1).
Genome position (GRCh38, 1-based): chr7:5,987,087, A deleted on the plus strand (T on the coding strand, the reverse complement: PMS2 is on the minus strand). VCF-style (leftmost placement, unchanged base first): chr7-5987086-CA-C. GRCh37 (hg19) VCF-style: chr7-6026717-CA-C.
Other names: c.1273delT, p.Cys425Valfs (NM_001018040.1, NM_001406887.1, NM_001406888.1 and 13 more transcripts); c.1273del, p.Cys425fs (NM_001322003.2, NM_001322004.2, NM_001322005.2 and 1 more transcripts); c.1522del, p.Cys508fs (NM_001322006.2); c.1360del, p.Cys454fs (NM_001322007.2, NM_001322008.2); c.1117del, p.Cys373fs (NM_001322010.2); c.745del, p.Cys249fs (NM_001322011.2, NM_001322012.2); c.1105del, p.Cys369fs (NM_001322013.2); c.1678del, p.Cys560fs (NM_001322014.2); and 19 more; short protein forms C454fs, C457fs, C373fs, C425fs, C369fs, C508fs, C560fs, C249fs.
Identifiers: ClinVar variation 1777836 (VCV001777836.2), dbSNP rs2535751690, ClinGen allele CA2580076899.

ClinVar aggregate classification (germline): Pathogenic (1 of 4 stars; one submission).

Conditions:
Hereditary cancer-predisposing syndrome. Also called: Neoplastic Syndromes, Hereditary; Tumor predisposition; Hereditary Cancer Syndrome; Hereditary neoplastic syndrome. Identifiers: Orphanet 140162, MedGen C0027672, MeSH D009386, MONDO:0015356.

Submission:

Ambry Genetics
Classification: Pathogenic for Hereditary cancer-predisposing syndrome. Last evaluated: 2021-11-29. Review status: criteria provided, single submitter. Criteria: Ambry Variant Classification Scheme 2023. Collection method: clinical testing. Allele origin: germline.
Comment: The c.1678delT pathogenic mutation, located in coding exon 11 of the PMS2 gene, results from a deletion of one nucleotide at nucleotide position 1678, causing a translational frameshift with a predicted alternate stop codon (p.C560Vfs*35). This alteration is expected to result in loss of function by premature protein truncation or nonsense-mediated mRNA decay. As such, this alteration is interpreted as a disease-causing mutation.